The following is an entry in ClinVar:

ClinVar aggregate classification (germline): Uncertain significance (1 of 4 stars; one submission).

Submission:

GeneDx
Classification: Uncertain significance. Last evaluated: 2024-02-28. Review status: criteria provided, single submitter. Criteria: GeneDx Variant Classification Process June 2021. Collection method: clinical testing. Allele origin: germline. Affected: yes.
Comment: Not observed at significant frequency in large population cohorts (gnomAD); In silico analysis supports that this missense variant has a deleterious effect on protein structure/function; Has not been previously published as pathogenic or benign to our knowledge

NM_001378454.1(ALMS1):c.11887G>C (p.Val3963Leu)

Genes: ALMS1 (ALMS1 centrosome and basal body associated protein; plus strand), LOC126806252 (BRD4-independent group 4 enhancer GRCh37_chr2:73828496-73829695; plus strand). Cytogenetic location: 2p13.1.
Variant type: single nucleotide variant.
Coding change: c.11887G>C on transcript NM_001378454.1 (MANE Select); coding-DNA position 11887, G replaced by C.
Protein change: p.Val3963Leu; replaces valine 3963 with leucine.
Molecular consequence: missense variant.
Genome position (GRCh38, 1-based): chr2:73,601,209, G>C. VCF-style: chr2-73601209-G-C. GRCh37 (hg19) VCF-style: chr2-73828336-G-C.
Other names: c.11890G>C, p.Val3964Leu (NM_015120.4); short protein forms V3963L, V3964L.
Identifiers: ClinVar variation 3369681 (VCV003369681.1).